The following is an entry in ClinVar:

ClinVar aggregate classification (germline): Benign. Review status: criteria provided, multiple submitters, no conflicts (2 of 4 stars). 3 submissions from 3 submitters: Benign (2). 1 of the submissions does not count toward it. Last evaluated 2018-07-06.

Conditions:
CNTN6-related disorder. Also called: CNTN6-related condition.

Allele frequency attached by ClinVar (database versions not stated): gnomAD exomes 0.00204 and 0.00527; ExAC 0.00589; gnomAD 0.01556 and 0.01651; TOPMed 0.01747; ESP Exome Variant Server 0.01830; 1000 Genomes Project 30x 0.01843; 1000 Genomes Project 0.01897.
gnomAD v4.1: 5,566 of 1,610,972 alleles (0.35%); highest among the groups gnomAD compares: African/African-American, 5.2%; 131 homozygotes.

Submissions (3):

Labcorp Genetics (formerly Invitae), Labcorp
Classification: Benign. Last evaluated: 2018-07-06. Review status: criteria provided, single submitter. Criteria: Invitae Variant Classification Sherloc (09022015). Collection method: clinical testing. Allele origin: germline.

Breakthrough Genomics
Classification: Benign. Review status: criteria provided, single submitter. Criteria: ACMG Guidelines, 2015. Collection method: not provided. Allele origin: germline. Inheritance: Unknown mechanism. Affected: yes.

PreventionGenetics, part of Exact Sciences
Classification: Benign for CNTN6-related condition. Last evaluated: 2020-01-13. Review status: no assertion criteria provided. Collection method: clinical testing. Allele origin: germline. Not counted in ClinVar's aggregate classification.
Comment: This variant is classified as benign based on ACMG/AMP sequence variant interpretation guidelines (Richards et al. 2015 PMID: 25741868, with internal and published modifications).

NM_001289080.2(CNTN6):c.449T>C (p.Phe150Ser)

Gene: CNTN6 (contactin 6; plus strand). Cytogenetic location: 3p26.3.
Variant type: single nucleotide variant.
Coding change: c.449T>C on transcript NM_001289080.2 (MANE Select); coding-DNA position 449, T replaced by C.
Protein change: p.Phe150Ser; replaces phenylalanine 150 with serine.
Molecular consequence: missense variant. On other transcripts: 5 prime UTR variant (4).
Genome position (GRCh38, 1-based): chr3:1,278,503, T>C. VCF-style: chr3-1278503-T-C. GRCh37 (hg19) VCF-style: chr3-1320187-T-C.
Other names: c.233T>C, p.Phe78Ser (NM_001289081.2); c.449T>C, p.Phe150Ser (NM_001349350.2, NM_001349351.2, NM_001349352.2 and 7 more transcripts); c.-489T>C (NM_001349359.2); c.-367T>C (NM_001349360.2); c.-669T>C (NM_001349361.2); c.-571T>C (NM_001349362.2); short protein forms F150S, F78S.
Identifiers: ClinVar variation 778061 (VCV000778061.6), dbSNP rs6808056, ClinGen allele CA2225751.
Genomic context (GRCh38, chr3:1,278,503, plus strand): 5'-GCACAGTATCTGTCCGAGAAGGTCAAGGTGTGGTGCTTCTCTGTGGCCCACCGCCACATT[T>C]TGGAGGTATGATGGGGTGATTTGGGTCATATCATCAATGCGGTCACTTGGAGAGTGATGT-3'
Protein context (NP_001276009.1, residues 140-160): VVLLCGPPPH[Phe150Ser]GDLSYAWTFN